The following is an entry in ClinVar:

ClinVar aggregate classification (germline): Uncertain significance (1 of 4 stars; one submission).

Conditions:
Hereditary hyperferritinemia with congenital cataracts. Also called: Hereditary hyperferritinemia cataract syndrome; Bonneau-Beaumont syndrome; HYPERFERRITINEMIA WITH OR WITHOUT CATARACT. Identifiers: Orphanet 163, MedGen C1833213, MONDO:0010952, OMIM 600886.
Neuroferritinopathy (NBIA3). Also called: NEURODEGENERATION WITH BRAIN IRON ACCUMULATION 3; BASAL GANGLIA DISEASE, ADULT-ONSET. Identifiers: Orphanet 157846, MedGen C1853578, MONDO:0011638, OMIM 606159.

Allele frequency attached by ClinVar (database versions not stated): gnomAD exomes below 0.00001; ExAC 0.00001.
gnomAD v4.1: 2 of 1,614,020 alleles (0.00012%); highest among the groups gnomAD compares: Non-Finnish European, 0.00017%; no homozygotes.

Submission:

Labcorp Genetics (formerly Invitae), Labcorp
Classification: Uncertain significance for Neuroferritinopathy; Hereditary hyperferritinemia with congenital cataracts. Last evaluated: 2021-12-02. Review status: criteria provided, single submitter. Criteria: Invitae Variant Classification Sherloc (09022015). Collection method: clinical testing. Allele origin: germline.
Comment: In summary, the available evidence is currently insufficient to determine the role of this variant in disease. Therefore, it has been classified as a Variant of Uncertain Significance. Algorithms developed to predict the effect of missense changes on protein structure and function (SIFT, PolyPhen-2, Align-GVGD) all suggest that this variant is likely to be tolerated. This variant has not been reported in the literature in individuals affected with FTL-related conditions. This variant is present in population databases (rs770196454, gnomAD 0.0009%). This sequence change replaces lysine, which is basic and polar, with glutamic acid, which is acidic and polar, at codon 83 of the FTL protein (p.Lys83Glu).

NM_000146.4(FTL):c.247A>G (p.Lys83Glu)

Gene: FTL (ferritin light chain; plus strand). Cytogenetic location: 19q13.33.
Variant type: single nucleotide variant.
Coding change: c.247A>G on transcript NM_000146.4 (MANE Select); coding-DNA position 247, A replaced by G.
Protein change: p.Lys83Glu; replaces lysine 83 with glutamic acid.
Molecular consequence: missense variant.
Genome position (GRCh38, 1-based): chr19:48,965,914, A>G. VCF-style: chr19-48965914-A-G. GRCh37 (hg19) VCF-style: chr19-49469171-A-G.
Other names: short protein forms K83E.
Identifiers: ClinVar variation 1382272 (VCV001382272.6), dbSNP rs770196454, ClinGen allele CA9562477.